The following is an entry in ClinVar:

ClinVar aggregate classification (germline): Likely pathogenic (0 of 4 stars; one submission).

Conditions:
DIAPH1-related disorder. Also called: DIAPH1-related condition.

Submission:

PreventionGenetics, part of Exact Sciences
Classification: Likely pathogenic for DIAPH1-related condition. Last evaluated: 2024-05-25. Review status: no assertion criteria provided. Collection method: clinical testing. Allele origin: germline.
Comment: The DIAPH1 c.244C>T variant is predicted to result in premature protein termination (p.Gln82*). To our knowledge, this variant has not been reported in the literature or in a large population database, indicating this variant is rare. Nonsense variants in DIAPH1 are expected to be pathogenic. This variant is interpreted as likely pathogenic.

NM_005219.5(DIAPH1):c.244C>T (p.Gln82Ter)

Gene: DIAPH1 (diaphanous related formin 1; minus strand). Cytogenetic location: 5q31.3.
Variant type: single nucleotide variant.
Coding change: c.244C>T on transcript NM_005219.5 (MANE Select); coding-DNA position 244, C replaced by T.
Protein change: p.Gln82Ter; replaces glutamine 82 with a stop codon.
Molecular consequence: nonsense.
Genome position (GRCh38, 1-based): chr5:141,587,098, G>A on the plus strand (C>T on the coding strand, the complement: DIAPH1 is on the minus strand). VCF-style: chr5-141587098-G-A. GRCh37 (hg19) VCF-style: chr5-140966665-G-A.
Other names: c.217C>T, p.Gln73Ter (NM_001079812.3); c.244C>T, p.Gln82Ter (NM_001314007.2); short protein forms Q73*, Q82*.
Identifiers: ClinVar variation 3352230 (VCV003352230.1).